The following is an entry in ClinVar:

ClinVar aggregate classification (germline): Pathogenic (1 of 4 stars; one submission).

Submission:

Labcorp Genetics (formerly Invitae), Labcorp
Classification: Pathogenic. Last evaluated: 2022-06-10. Review status: criteria provided, single submitter. Criteria: Invitae Variant Classification Sherloc (09022015). Collection method: clinical testing. Allele origin: germline.
Comment: This variant is a gross deletion of the genomic region encompassing exon(s) 47-48 of the COL4A4 gene, which includes the termination codon. This deletion extends beyond the assayed region for this gene and therefore may encompass additional genes. While this deletion is not anticipated to lead to nonsense mediated decay, it is expected to alter mRNA translation or result in a truncated protein product. This variant has not been reported in the literature in individuals affected with COL4A4-related conditions. This variant disrupts a region of the COL4A4 protein in which other variant(s) (p.Arg1682Gln) have been determined to be pathogenic (PMID: 17216251, 26809805, 27859054). This suggests that this is a clinically significant region of the protein, and that variants that disrupt it are likely to be disease-causing. For these reasons, this variant has been classified as Pathogenic.

Literature cited by the submitters: PubMed 17216251; PubMed 26809805; PubMed 27859054.

NC_000002.11:g.(?_227872031)_(227873030_?)del

Gene: COL4A4 (collagen type IV alpha 4 chain; minus strand). Cytogenetic location: 2q36.3.
Variant type: Deletion.
Identifiers: ClinVar variation 2422347 (VCV002422347.4).